The following is an entry in ClinVar:

ClinVar aggregate classification (germline): Uncertain significance (1 of 4 stars; one submission).

Conditions:
Cardiovascular phenotype. Identifiers: MedGen CN230736.

gnomAD v4.1: 1 of 1,540,400 alleles (0.000065%); highest among the groups gnomAD compares: Non-Finnish European, 0.000088%; no homozygotes.

Submission:

Ambry Genetics
Classification: Uncertain significance for Cardiovascular phenotype. Last evaluated: 2024-01-22. Review status: criteria provided, single submitter. Criteria: Ambry Variant Classification Scheme 2023. Collection method: clinical testing. Allele origin: germline.
Comment: The p.G3432V variant (also known as c.10295G>T), located in coding exon 2 of the ZNF469 gene, results from a G to T substitution at nucleotide position 10295. The glycine at codon 3432 is replaced by valine, an amino acid with dissimilar properties. This amino acid position is conserved. In addition, this alteration is predicted to be tolerated by in silico analysis. Based on the available evidence, the clinical significance of this alteration remains unclear.

NM_001367624.2(ZNF469):c.10379G>T (p.Gly3460Val)

Gene: ZNF469 (zinc finger protein 469; plus strand). Cytogenetic location: 16q24.2.
Variant type: single nucleotide variant.
Coding change: c.10379G>T on transcript NM_001367624.2 (MANE Select); coding-DNA position 10379, G replaced by T.
Protein change: p.Gly3460Val; replaces glycine 3460 with valine.
Molecular consequence: missense variant.
Genome position (GRCh38, 1-based): chr16:88,437,849, G>T. VCF-style: chr16-88437849-G-T. GRCh37 (hg19) VCF-style: chr16-88504257-G-T.
Other names: NM_001127464.1:c.10295G>T; short protein forms G3460V.
Identifiers: ClinVar variation 3232723 (VCV003232723.1), dbSNP rs1293649332, ClinGen allele CA397126805.
Genomic context (GRCh38, chr16:88,437,849, plus strand): 5'-ACCTCAGGGGGGGGCGGCAGCCCTTCGCGTTCCGCGGCGTGCGGAGGCCGGGAGCGCCGG[G>T]ACAGAAGGCCCGGGCCCTCGAGGGCACACTGCCCAGCAAACGGCGCAGGGTGGCCATGCC-3'
Protein context (NP_001354553.1, residues 3450-3470): FRGVRRPGAP[Gly3460Val]QKARALEGTL